The following is an entry in ClinVar:

ClinVar aggregate classification (germline): Uncertain significance (1 of 4 stars; one submission).

Conditions:
Cortical dysplasia, complex, with other brain malformations 13. Also called: Intellectual disability, autosomal dominant 13. Identifiers: MedGen C3281202, MONDO:0013805, OMIM 614563.

Submission:

Victorian Clinical Genetics Services, Murdoch Childrens Research Institute
Classification: Uncertain significance for Cortical dysplasia, complex, with other brain malformations 13. Last evaluated: 2025-03-18. Review status: criteria provided, single submitter. Criteria: ACMG Guidelines, 2015. Collection method: clinical testing. Allele origin: germline. Affected: yes.
Comment: This variant is classified as VUS-3B. Evidence in support of pathogenic classification: Variant is absent from gnomAD (v2, v3 and v4). Additional information: Variant is predicted to result in a missense amino acid change from glutamine to glutamic acid; This variant is heterozygous; This gene is associated with autosomal dominant disease; This variant has no previous evidence of pathogenicity; No published segregation evidence has been identified for this variant; No published functional evidence has been identified for this variant; Another missense variant comparable to the one identified in this case has inconclusive previous evidence for pathogenicity. p.(Gln2212His) has been classified as a variant of uncertain significance by one clinical laboratory (ClinVar); Variant is located in the annotated hydrolytic ATP binding site of dynein motor region domain (DECIPHER); Missense variant with inconclusive in silico prediction and uninformative conservation; Gain of function and loss of function are known mechanisms of disease in this gene. Gain of function is the mechanism for Charcot-Marie-Tooth disease, axonal, type 2O (MIM#614228) and spinal muscular atrophy, lower extremity-predominant 1 (MIM#158600; ClinGen). The disease mechanism for cortical dysplasia, complex, with other brain malformations 13 (MIM#614563) is not well established (PMID: 28196890); Variants in this gene are known to have variable expressivity. Intrafamilial variability has been reported (PMID: 25512093); Parental origin of the variant is unresolved.

Literature cited by the submitters: PubMed 25512093; PubMed 28196890.

NM_001376.5(DYNC1H1):c.6634C>G (p.Gln2212Glu)

Gene: DYNC1H1 (dynein cytoplasmic 1 heavy chain 1; plus strand). Cytogenetic location: 14q32.31.
Variant type: single nucleotide variant.
Coding change: c.6634C>G on transcript NM_001376.5 (MANE Select); coding-DNA position 6634, C replaced by G.
Protein change: p.Gln2212Glu; replaces glutamine 2212 with glutamic acid.
Molecular consequence: missense variant.
Genome position (GRCh38, 1-based): chr14:102,011,890, C>G. VCF-style: chr14-102011890-C-G. GRCh37 (hg19) VCF-style: chr14-102478227-C-G.
Other names: short protein forms Q2212E.
Identifiers: ClinVar variation 4531466 (VCV004531466.1).